The following is an entry in ClinVar:

NM_001042681.2(RERE):c.3772G>C (p.Glu1258Gln)

Gene: RERE (arginine-glutamic acid dipeptide repeats; minus strand). Cytogenetic location: 1p36.23.
Variant type: single nucleotide variant.
Coding change: c.3772G>C on transcript NM_001042681.2 (MANE Select); coding-DNA position 3772, G replaced by C.
Protein change: p.Glu1258Gln; replaces glutamic acid 1258 with glutamine.
Molecular consequence: missense variant.
Genome position (GRCh38, 1-based): chr1:8,358,763, C>G on the plus strand (G>C on the coding strand, the complement: RERE is on the minus strand). VCF-style: chr1-8358763-C-G. GRCh37 (hg19) VCF-style: chr1-8418823-C-G.
Other names: c.2110G>C, p.Glu704Gln (NM_001042682.2); c.3772G>C, p.Glu1258Gln (NM_012102.4); short protein forms E1258Q, E704Q.
Identifiers: ClinVar variation 2429679 (VCV002429679.1), dbSNP rs1346189086, ClinGen allele CA338169882.
Genomic context (GRCh38, chr1:8,358,763, plus strand): 5'-GGGGCATGTAGAAGGGGTGGTTGCGGTTGGTGGGCGACATGACGTGGGGCCGGGCGTACT[C>G]GCTCAGAGTCCGAAGGGCAGGTGTGTCGGGCCCGATGTAGGGGGGCACAGCAGCAATGGT-3'
Protein context (NP_001036146.1, residues 1248-1268): PDTPALRTLS[Glu1258Gln]YARPHVMSPT

ClinVar aggregate classification (germline): Uncertain significance (1 of 4 stars; one submission).

Submission:

GeneDx
Classification: Uncertain significance. Last evaluated: 2022-08-09. Review status: criteria provided, single submitter. Criteria: GeneDx Variant Classification Process June 2021. Collection method: clinical testing. Allele origin: germline. Affected: yes.
Comment: Not observed at significant frequency in large population cohorts (gnomAD); In silico analysis supports that this missense variant has a deleterious effect on protein structure/function; Has not been previously published as pathogenic or benign to our knowledge